The following is an entry in ClinVar:

ClinVar aggregate classification (germline): Pathogenic (1 of 4 stars; one submission).

Conditions:
Pheochromocytoma. Also called: MAX-Related Hereditary Paraganglioma-Pheochromocytoma Syndrome. Identifiers: Orphanet 29072, MedGen C0031511, MONDO:0008233, OMIM 171300, HP:0002666.
Paragangliomas with sensorineural hearing loss. Identifiers: MedGen C1868633.
Carney-Stratakis syndrome. Also called: PARAGANGLIOMA AND GASTROINTESTINAL STROMAL TUMOR. Identifiers: Orphanet 97286, MedGen C1847319, MONDO:0011740, OMIM 606864.
Cowden syndrome 3 (CWS3). Identifiers: Orphanet 201, MedGen CN166604, MONDO:0014045.

Submission:

Labcorp Genetics (formerly Invitae), Labcorp
Classification: Pathogenic for Carney-Stratakis syndrome; Paragangliomas with sensorineural hearing loss; Pheochromocytoma; Cowden syndrome 3. Last evaluated: 2025-12-01. Review status: criteria provided, single submitter. Criteria: Invitae Variant Classification Sherloc (09022015). Collection method: clinical testing. Allele origin: germline.
Comment: This sequence change creates a premature translational stop signal (p.Ser59Profs*27) in the SDHD gene. It is expected to result in an absent or disrupted protein product. Loss-of-function variants in SDHD are known to be pathogenic (PMID: 19454582, 19802898). This variant is not present in population databases (gnomAD no frequency). This variant has not been reported in the literature in individuals affected with SDHD-related conditions. For these reasons, this variant has been classified as Pathogenic.

Literature cited by the submitters: PubMed 19454582; PubMed 19802898.

NM_003002.4(SDHD):c.174del (p.Ser59fs)

Gene: SDHD (succinate dehydrogenase complex subunit D; plus strand). Cytogenetic location: 11q23.1.
Variant type: Deletion.
Coding change: c.174del on transcript NM_003002.4 (MANE Select); coding-DNA position 174, one base deleted (C; older notation c.174delC).
Protein change: p.Ser59fs; shifts the reading frame from serine 59.
Molecular consequence: frameshift variant. On other transcripts: non-coding transcript variant (1), intron variant (1).
Genome position (GRCh38, 1-based): chr11:112,088,871, C deleted. VCF-style (leftmost placement, unchanged base first): chr11-112088870-GC-G. GRCh37 (hg19) VCF-style: chr11-111959594-GC-G.
Other names: c.57del, p.Ser20fs (NM_001276504.2); c.174del, p.Ser59fs (NM_001276506.2); c.169+898del (NM_001276503.2); short protein forms S59fs, S20fs.
Identifiers: ClinVar variation 4786820 (VCV004786820.1).